The following is an entry in ClinVar:

NM_000097.7(CPOX):c.1277+9A>G

Gene: CPOX (coproporphyrinogen oxidase; minus strand). Cytogenetic location: 3q11.2.
Variant type: single nucleotide variant.
Coding change: c.1277+9A>G on transcript NM_000097.7 (MANE Select); 9 bases into the intron after coding-DNA position 1277, A replaced by G.
Molecular consequence: intron variant.
Genome position (GRCh38, 1-based): chr3:98,581,398, T>C on the plus strand (A>G on the coding strand, the complement: CPOX is on the minus strand). VCF-style: chr3-98581398-T-C. GRCh37 (hg19) VCF-style: chr3-98300242-T-C.
Identifiers: ClinVar variation 1450525 (VCV001450525.6), dbSNP rs199963669, ClinGen allele CA2511472.

ClinVar aggregate classification (germline): Uncertain significance (1 of 4 stars; one submission).

Allele frequency attached by ClinVar (database versions not stated): gnomAD exomes 0.00001 and 0.00002; ExAC 0.00002; TOPMed 0.00002; gnomAD 0.00003; ESP Exome Variant Server 0.00008; 1000 Genomes Project 30x 0.00016; 1000 Genomes Project 0.00020.
gnomAD v4.1: 20 of 1,597,862 alleles (0.0013%); highest among the groups gnomAD compares: African/African-American, 0.021%; 1 homozygote.

Submission:

Labcorp Genetics (formerly Invitae), Labcorp
Classification: Uncertain significance. Last evaluated: 2023-11-01. Review status: criteria provided, single submitter. Criteria: Invitae Variant Classification Sherloc (09022015). Collection method: clinical testing. Allele origin: germline.
Comment: This sequence change falls in intron 6 of the CPOX gene. It does not directly change the encoded amino acid sequence of the CPOX protein. This variant is present in population databases (rs199963669, gnomAD 0.03%). This variant has not been reported in the literature in individuals affected with CPOX-related conditions. ClinVar contains an entry for this variant (Variation ID: 1450525). Algorithms developed to predict the effect of sequence changes on RNA splicing suggest that this variant may create or strengthen a splice site. In summary, the available evidence is currently insufficient to determine the role of this variant in disease. Therefore, it has been classified as a Variant of Uncertain Significance.